The following is an entry in ClinVar:

ClinVar aggregate classification (germline): Uncertain significance. Review status: reviewed by expert panel (3 of 4 stars). 2 submissions from 2 submitters: Uncertain significance (1). 1 of the submissions does not count toward it. Last evaluated 2024-07-11.

Conditions:
Hereditary thrombocytopenia and hematological cancer predisposition syndrome associated with RUNX1. Also called: PLATELET DISORDER, ASPIRIN-LIKE; RUNX1 Familial Platelet Disorder with Associated Myeloid Malignancies; Familial Platelet Disorder with Propensity to Acute Myelogenous Leukemia; Familial thrombocytopenia with propensity to acute myelogenous leukemia. Identifiers: Orphanet 71290, MedGen C1832388, MeSH C563324, MONDO:0100083, OMIM 601399.

Submissions (2):

ClinGen Myeloid Malignancy Variant Curation Expert Panel
Classification: Uncertain significance for Hereditary thrombocytopenia and hematological cancer predisposition syndrome associated with RUNX1. Last evaluated: 2024-07-11. Review status: reviewed by expert panel. Criteria: ClinGen MyeloMalig ACMG Specifications v2. Collection method: curation. Allele origin: germline. Inheritance: Autosomal dominant inheritance.
Comment: NM_001754.5(RUNX1):c.1072A>C (p.Thr358Pro) is a missense variant which is completely absent from all population databases with at least 20x coverage for RUNX1 (PM2_supporting). In summary, the clinical significance of this variant is uncertain. ACMG/AMP criteria applied, as specified by the Myeloid Malignancy Variant Curation Expert Panel for RUNX1: PM2_supporting.

Labcorp Genetics (formerly Invitae), Labcorp
Classification: Uncertain significance for Hereditary thrombocytopenia and hematological cancer predisposition syndrome associated with RUNX1. Last evaluated: 2022-10-12. Review status: criteria provided, single submitter. Criteria: Invitae Variant Classification Sherloc (09022015). Collection method: clinical testing. Allele origin: germline. Not counted in ClinVar's aggregate classification.
Comment: In summary, the available evidence is currently insufficient to determine the role of this variant in disease. Therefore, it has been classified as a Variant of Uncertain Significance. Algorithms developed to predict the effect of missense changes on protein structure and function output the following: SIFT: "Tolerated"; PolyPhen-2: "Possibly Damaging"; Align-GVGD: "Class C0". The proline amino acid residue is found in multiple mammalian species, which suggests that this missense change does not adversely affect protein function. This variant has not been reported in the literature in individuals affected with RUNX1-related conditions. This variant is not present in population databases (gnomAD no frequency). This sequence change replaces threonine, which is neutral and polar, with proline, which is neutral and non-polar, at codon 358 of the RUNX1 protein (p.Thr358Pro).

NM_001754.5(RUNX1):c.1072A>C (p.Thr358Pro)

Gene: RUNX1 (RUNX family transcription factor 1; minus strand). Cytogenetic location: 21q22.12.
Variant type: single nucleotide variant.
Coding change: c.1072A>C on transcript NM_001754.5 (MANE Select); coding-DNA position 1072, A replaced by C.
Protein change: p.Thr358Pro; replaces threonine 358 with proline.
Molecular consequence: missense variant.
Genome position (GRCh38, 1-based): chr21:34,792,506, T>G on the plus strand (A>C on the coding strand, the complement: RUNX1 is on the minus strand). VCF-style: chr21-34792506-T-G. GRCh37 (hg19) VCF-style: chr21-36164803-T-G.
Other names: NM_001754.5(RUNX1):c.1072A>C; p.Thr358Pro; c.991A>C, p.Thr331Pro (NM_001001890.3); short protein forms T331P, T358P.
Identifiers: ClinVar variation 1721206 (VCV001721206.6), dbSNP rs2145877215, ClinGen allele CA410148231.